The following is an entry in ClinVar:

NM_005228.5(EGFR):c.391G>C (p.Gly131Arg)

Gene: EGFR (epidermal growth factor receptor; plus strand). Cytogenetic location: 7p11.2.
Variant type: single nucleotide variant.
Coding change: c.391G>C on transcript NM_005228.5 (MANE Select); coding-DNA position 391, G replaced by C.
Protein change: p.Gly131Arg; replaces glycine 131 with arginine.
Molecular consequence: missense variant. On other transcripts: intron variant (1).
Genome position (GRCh38, 1-based): chr7:55,143,455, G>C. VCF-style: chr7-55143455-G-C. GRCh37 (hg19) VCF-style: chr7-55211148-G-C.
Other names: c.391G>C, p.Gly131Arg (NM_001346897.2, NM_001346898.2, NM_001346899.2 and 3 more transcripts); c.232G>C, p.Gly78Arg (NM_001346900.2); c.89-12375G>C (NM_001346941.2); short protein forms G78R, G131R.
Identifiers: ClinVar variation 4016682 (VCV004016682.1).

ClinVar aggregate classification (germline): Uncertain significance (1 of 4 stars; one submission).

Conditions:
Hereditary cancer-predisposing syndrome. Also called: Tumor predisposition; Hereditary neoplastic syndrome; Neoplastic Syndromes, Hereditary; Hereditary Cancer Syndrome. Identifiers: Orphanet 140162, MedGen C0027672, MeSH D009386, MONDO:0015356.

Submission:

Ambry Genetics
Classification: Uncertain significance for Hereditary cancer-predisposing syndrome. Last evaluated: 2025-03-25. Review status: criteria provided, single submitter. Criteria: Ambry Variant Classification Scheme 2023. Collection method: clinical testing. Allele origin: germline.
Comment: The p.G131R variant (also known as c.391G>C), located in coding exon 3 of the EGFR gene, results from a G to C substitution at nucleotide position 391. The glycine at codon 131 is replaced by arginine, an amino acid with dissimilar properties. This amino acid position is highly conserved in available vertebrate species. In addition, the in silico prediction for this alteration is inconclusive. Based on the available evidence, the clinical significance of this variant remains unclear.